The following is an entry in ClinVar:

NM_004006.3(DMD):c.1306del (p.Arg435_Val436insTer)

Gene: DMD (dystrophin; minus strand). Cytogenetic location: Xp21.1.
Variant type: Deletion.
Coding change: c.1306del on transcript NM_004006.3 (MANE Select); coding-DNA position 1306, one base deleted (G; older notation c.1306delG).
Protein change: p.Arg435_Val436insTer.
Molecular consequence: nonsense.
Genome position (GRCh38, 1-based): chrX:32,644,157, C deleted on the plus strand (G on the coding strand, the reverse complement: DMD is on the minus strand); the first of 3 consecutive C bases (chrX:32,644,157-32,644,159); deleting any one gives the same sequence. VCF-style (leftmost placement, unchanged base first): chrX-32644156-AC-A. GRCh37 (hg19) VCF-style: chrX-32662273-AC-A.
Other names: c.1282del, p.Arg427_Val428insTer (NM_000109.4); c.1294del, p.Arg431_Val432insTer (NM_004009.3); c.937del, p.Arg312_Val313insTer (NM_004010.3).
Identifiers: ClinVar variation 1361735 (VCV001361735.6), dbSNP rs398123854, ClinGen allele CA2573158844.

ClinVar aggregate classification (germline): Pathogenic (1 of 4 stars; one submission).

Conditions:
Duchenne muscular dystrophy (DMD). Also called: MUSCULAR DYSTROPHY, PSEUDOHYPERTROPHIC PROGRESSIVE, DUCHENNE TYPE; Duchenne Muscular Dystrophy (DMD). Identifiers: Orphanet 98896, MedGen C0013264, MONDO:0010679, OMIM 310200.

Submission:

Labcorp Genetics (formerly Invitae), Labcorp
Classification: Pathogenic for Duchenne muscular dystrophy. Last evaluated: 2021-01-15. Review status: criteria provided, single submitter. Criteria: Invitae Variant Classification Sherloc (09022015). Collection method: clinical testing. Allele origin: germline.
Comment: This sequence change creates a premature translational stop signal (p.Val436*) in the DMD gene. It is expected to result in an absent or disrupted protein product. Loss-of-function variants in DMD are known to be pathogenic (PMID: 16770791, 25007885). For these reasons, this variant has been classified as Pathogenic. Algorithms developed to predict the effect of sequence changes on RNA splicing suggest that this variant may create or strengthen a splice site, but this prediction has not been confirmed by published transcriptional studies. This variant has not been reported in the literature in individuals with DMD-related conditions. This variant is not present in population databases (ExAC no frequency).

Literature cited by the submitters: PubMed 16770791; PubMed 25007885.